The following is an entry in ClinVar:

ClinVar aggregate classification (germline): Uncertain significance (1 of 4 stars; one submission).

Conditions:
Arginine:glycine amidinotransferase deficiency (CCDS3). Also called: AGAT deficiency; L-Arginine:Glycine Amidinotransferase Deficiency; Creatine deficiency syndrome due to AGAT deficiency; GATM deficiency; L-Arginine:Glycine Amidinotransferase (AGAT) Deficiency; Cerebral creatine deficiency syndrome 3. Identifiers: Orphanet 35704, MedGen C2675179, MONDO:0012996, OMIM 612718.

Allele frequency attached by ClinVar (database versions not stated): gnomAD exomes 0.00001.
gnomAD v4.1: 19 of 1,613,962 alleles (0.0012%); highest among the groups gnomAD compares: East Asian, 0.0045%; no homozygotes.

Submission:

Labcorp Genetics (formerly Invitae), Labcorp
Classification: Uncertain significance for Arginine:glycine amidinotransferase deficiency. Last evaluated: 2025-10-29. Review status: criteria provided, single submitter. Criteria: Invitae Variant Classification Sherloc (09022015). Collection method: clinical testing. Allele origin: germline.
Comment: This sequence change replaces alanine, which is neutral and non-polar, with valine, which is neutral and non-polar, at codon 195 of the GATM protein (p.Ala195Val). This variant is present in population databases (rs752950030, gnomAD 0.01%). This variant has not been reported in the literature in individuals affected with GATM-related conditions. ClinVar contains an entry for this variant (Variation ID: 1446864). Invitae Evidence Modeling of protein sequence and biophysical properties (such as structural, functional, and spatial information, amino acid conservation, physicochemical variation, residue mobility, and thermodynamic stability) indicates that this missense variant is expected to disrupt GATM protein function with a positive predictive value of 95%. In summary, the available evidence is currently insufficient to determine the role of this variant in disease. Therefore, it has been classified as a Variant of Uncertain Significance.

NM_001482.3(GATM):c.584C>T (p.Ala195Val)

Gene: GATM (glycine amidinotransferase; minus strand). Cytogenetic location: 15q21.1.
Variant type: single nucleotide variant.
Coding change: c.584C>T on transcript NM_001482.3 (MANE Select); coding-DNA position 584, C replaced by T.
Protein change: p.Ala195Val; replaces alanine 195 with valine.
Molecular consequence: missense variant.
Genome position (GRCh38, 1-based): chr15:45,368,161, G>A on the plus strand (C>T on the coding strand, the complement: GATM is on the minus strand). VCF-style: chr15-45368161-G-A. GRCh37 (hg19) VCF-style: chr15-45660359-G-A.
Other names: c.197C>T, p.Ala66Val (NM_001321015.2); short protein forms A195V, A66V.
Identifiers: ClinVar variation 1446864 (VCV001446864.5), dbSNP rs752950030, ClinGen allele CA270168403.